The following is an entry in ClinVar:

NM_006852.6(TLK2):c.968+6T>C

Genes: TLK2 (tousled like kinase 2; plus strand), LOC126862611 (CDK7 strongly-dependent group 2 enhancer GRCh37_chr17:60642433-60643632; plus strand). Cytogenetic location: 17q23.2.
Variant type: single nucleotide variant.
Coding change: c.968+6T>C on transcript NM_006852.6 (MANE Select); 6 bases into the intron after coding-DNA position 968, T replaced by C.
Molecular consequence: intron variant.
Genome position (GRCh38, 1-based): chr17:62,565,143, T>C. VCF-style: chr17-62565143-T-C. GRCh37 (hg19) VCF-style: chr17-60642504-T-C.
Other names: c.968+6T>C (NM_001375271.1, NM_001375270.1, NM_001284333.3); c.521+6T>C (NM_001375273.1, NM_001330418.3); c.872+6T>C (NM_001375272.1, NM_001284363.1); c.1010+6T>C (NM_001375269.1).
Identifiers: ClinVar variation 1315249 (VCV001315249.3), dbSNP rs2079647637, ClinGen allele CA2269531784.

ClinVar aggregate classification (germline): Uncertain significance. Review status: criteria provided, multiple submitters, no conflicts (2 of 4 stars). 2 submissions from 2 submitters: Uncertain significance (2). Last evaluated 2020-02-24.

Allele frequency attached by ClinVar (database versions not stated): gnomAD 0.00001; gnomAD exomes 0.00001; TOPMed 0.00001.
gnomAD v4.1: 5 of 1,596,966 alleles (0.00031%); highest among the groups gnomAD compares: Middle Eastern, 0.017%; no homozygotes.

Submissions (2):

GeneDx
Classification: Uncertain significance. Last evaluated: 2020-02-24. Review status: criteria provided, single submitter. Criteria: GeneDx Variant Classification Process June 2021. Collection method: clinical testing. Allele origin: germline. Affected: yes.
Comment: Not observed in large population cohorts (Lek et al., 2016); In-silico analysis, which includes splice predictors and evolutionary conservation, is inconclusive as to whether the variant alters gene splicing. In the absence of RNA/functional studies, the actual effect of this sequence change is unknown.; Has not been previously published as pathogenic or benign to our knowledge

Breakthrough Genomics
Classification: Uncertain significance. Review status: criteria provided, single submitter. Criteria: ACMG Guidelines, 2015. Collection method: not provided. Allele origin: germline. Inheritance: Autosomal dominant inheritance. Affected: yes.